The following is an entry in ClinVar:

ClinVar aggregate classification (germline): Uncertain significance (1 of 4 stars; one submission).

Submission:

Labcorp Genetics (formerly Invitae), Labcorp
Classification: Uncertain significance. Last evaluated: 2024-04-18. Review status: criteria provided, single submitter. Criteria: Invitae Variant Classification Sherloc (09022015). Collection method: clinical testing. Allele origin: germline.
Comment: This sequence change replaces leucine, which is neutral and non-polar, with proline, which is neutral and non-polar, at codon 1175 of the CYFIP2 protein (p.Leu1175Pro). This variant is not present in population databases (gnomAD no frequency). This variant has not been reported in the literature in individuals affected with CYFIP2-related conditions. Experimental studies and prediction algorithms are not available or were not evaluated, and the functional significance of this variant is currently unknown. In summary, the available evidence is currently insufficient to determine the role of this variant in disease. Therefore, it has been classified as a Variant of Uncertain Significance.

NM_001037333.3(CYFIP2):c.3524T>C (p.Leu1175Pro)

Genes: CYFIP2 (cytoplasmic FMR1 interacting protein 2; plus strand), NIPAL4-DT (NIPAL4 divergent transcript; minus strand), LOC126807569 (P300/CBP strongly-dependent group 1 enhancer GRCh37_chr5:156817055-156818254; plus strand). Cytogenetic location: 5q33.3.
Variant type: single nucleotide variant.
Coding change: c.3524T>C on transcript NM_001037333.3 (MANE Select); coding-DNA position 3524, T replaced by C.
Protein change: p.Leu1175Pro; replaces leucine 1175 with proline.
Molecular consequence: missense variant.
Genome position (GRCh38, 1-based): chr5:157,390,598, T>C. VCF-style: chr5-157390598-T-C. GRCh37 (hg19) VCF-style: chr5-156817606-T-C.
Other names: c.3446T>C, p.Leu1149Pro (NM_001291721.2); c.3599T>C, p.Leu1200Pro (NM_001291722.2); c.3524T>C, p.Leu1175Pro (NM_014376.4); short protein forms L1149P, L1175P, L1200P.
Identifiers: ClinVar variation 3673561 (VCV003673561.2).
Genomic context (GRCh38, chr5:157,390,598, plus strand): 5'-GCTTGAACTGGGCTGGTTGCTCCATCATTGTCCTGCTGGGCCAGCAGCGTCGCTTTGACC[T>C]GTTCGACTTCTGTTACCACCTGCTAAAAGTGCAGAGGCAGGACGGGAAGGATGAAATCAT-3'
Protein context (NP_001032410.1, residues 1165-1185): VLLGQQRRFD[Leu1175Pro]FDFCYHLLKV